The following is an entry in ClinVar:

ClinVar aggregate classification (germline): Uncertain significance (1 of 4 stars; one submission).

Conditions:
Muscular dystrophy-dystroglycanopathy type B6 (MDDGB6). Also called: MUSCULAR DYSTROPHY-DYSTROGLYCANOPATHY (CONGENITAL WITH IMPAIRED INTELLECTUAL DEVELOPMENT), TYPE B, 6; MUSCULAR DYSTROPHY, CONGENITAL, LARGE-RELATED; MUSCULAR DYSTROPHY, CONGENITAL, TYPE 1D. Identifiers: MedGen C1837229, MONDO:0012138, OMIM 608840.

gnomAD v4.1: 5 of 1,610,020 alleles (0.00031%); highest among the groups gnomAD compares: Non-Finnish European, 0.00042%; no homozygotes.

Submission:

Labcorp Genetics (formerly Invitae), Labcorp
Classification: Uncertain significance for Muscular dystrophy-dystroglycanopathy type B6. Last evaluated: 2022-06-01. Review status: criteria provided, single submitter. Criteria: Invitae Variant Classification Sherloc (09022015). Collection method: clinical testing. Allele origin: germline.
Comment: This sequence change replaces arginine, which is basic and polar, with glycine, which is neutral and non-polar, at codon 77 of the LARGE1 protein (p.Arg77Gly). This variant is not present in population databases (gnomAD no frequency). This variant has not been reported in the literature in individuals affected with LARGE1-related conditions. Algorithms developed to predict the effect of missense changes on protein structure and function are either unavailable or do not agree on the potential impact of this missense change (SIFT: "Deleterious"; PolyPhen-2: "Benign"; Align-GVGD: "Class C0"). In summary, the available evidence is currently insufficient to determine the role of this variant in disease. Therefore, it has been classified as a Variant of Uncertain Significance.

NM_133642.5(LARGE1):c.229C>G (p.Arg77Gly)

Gene: LARGE1 (LARGE xylosyl- and glucuronyltransferase 1; minus strand). Cytogenetic location: 22q12.3.
Variant type: single nucleotide variant.
Coding change: c.229C>G on transcript NM_133642.5 (MANE Select); coding-DNA position 229, C replaced by G.
Protein change: p.Arg77Gly; replaces arginine 77 with glycine.
Molecular consequence: missense variant.
Genome position (GRCh38, 1-based): chr22:33,650,546, G>C on the plus strand (C>G on the coding strand, the complement: LARGE1 is on the minus strand). VCF-style: chr22-33650546-G-C. GRCh37 (hg19) VCF-style: chr22-34046532-G-C.
Other names: c.229C>G, p.Arg77Gly (NM_001362949.2, NM_001362951.2, NM_001362953.2 and 7 more transcripts); short protein forms R77G.
Identifiers: ClinVar variation 2180716 (VCV002180716.4), dbSNP rs777068842, ClinGen allele CA411546362.